The following is an entry in ClinVar:

NM_138694.4(PKHD1):c.6646C>T (p.His2216Tyr)

Gene: PKHD1 (PKHD1 ciliary IPT domain containing fibrocystin/polyductin; minus strand). Cytogenetic location: 6p12.2.
Variant type: single nucleotide variant.
Coding change: c.6646C>T on transcript NM_138694.4 (MANE Select); coding-DNA position 6646, C replaced by T.
Protein change: p.His2216Tyr; replaces histidine 2216 with tyrosine.
Molecular consequence: missense variant.
Genome position (GRCh38, 1-based): chr6:51,909,319, G>A on the plus strand (C>T on the coding strand, the complement: PKHD1 is on the minus strand). VCF-style: chr6-51909319-G-A. GRCh37 (hg19) VCF-style: chr6-51774117-G-A.
Other names: c.6646C>T, p.His2216Tyr (NM_170724.3); short protein forms H2216Y.
Identifiers: ClinVar variation 581652 (VCV000581652.13), dbSNP rs1459248210, ClinGen allele CA364434238.
Genomic context (GRCh38, chr6:51,909,319, plus strand): 5'-AGTCCTAGGTCCGGACCCCCTTACCTCTCATAGCTCCCACCAGAGTGAGTGAGCTCAGAT[G>A]CTTATGGAAGGCTTGCCCCAAGACTTGAAACTGCACTCCCTTCAACTGGACCTGGCTGGG-3'
Protein context (NP_619639.3, residues 2206-2226): FQVLGQAFHK[His2216Tyr]LSSLTLVGAM

ClinVar aggregate classification (germline): Uncertain significance. Review status: criteria provided, multiple submitters, no conflicts (2 of 4 stars). 3 submissions from 3 submitters: Uncertain significance (2). 1 of the submissions does not count toward it. Last evaluated 2024-04-25.

Conditions:
Polycystic kidney disease 4 (PKD4). Also called: Autosomal Recessive Polycystic Kidney Disease – PKHD1; POLYCYSTIC KIDNEY DISEASE 4 WITH OR WITHOUT POLYCYSTIC LIVER DISEASE; POLYCYSTIC KIDNEY AND HEPATIC DISEASE 1; POLYCYSTIC KIDNEY DISEASE, INFANTILE, TYPE I; PKD3. Identifiers: MedGen C4540575, MONDO:0033004, OMIM 263200.
Autosomal recessive polycystic kidney disease (ARPKD). Also called: AR polycystic kidney disease. Identifiers: Orphanet 731, Orphanet 8378, MedGen C0085548, MeSH D017044, MONDO:0009889.

Allele frequency attached by ClinVar (database versions not stated): gnomAD exomes below 0.00001; TOPMed below 0.00001; gnomAD 0.00001.
gnomAD v4.1: 3 of 1,613,376 alleles (0.00019%); highest among the groups gnomAD compares: Admixed American, 0.0033%; no homozygotes.

Submissions (3):

Fulgent Genetics
Classification: Uncertain significance for Polycystic kidney disease 4. Last evaluated: 2024-04-25. Review status: criteria provided, single submitter. Criteria: ACMG Guidelines, 2015. Collection method: clinical testing. Allele origin: germline.

Labcorp Genetics (formerly Invitae), Labcorp
Classification: Uncertain significance for Autosomal recessive polycystic kidney disease. Last evaluated: 2021-08-31. Review status: criteria provided, single submitter. Criteria: Invitae Variant Classification Sherloc (09022015). Collection method: clinical testing. Allele origin: germline.
Comment: This sequence change replaces histidine with tyrosine at codon 2216 of the PKHD1 protein (p.His2216Tyr). The histidine residue is moderately conserved and there is a moderate physicochemical difference between histidine and tyrosine. This variant is not present in population databases (ExAC no frequency). This missense change has been observed in individual(s) with bilaterally enlarged kidneys with small cysts and liver elastography results suggestive of early congenital hepatic fibrosis (Invitae). In at least one individual the data is consistent with the variant being in trans (on the opposite chromosome) from a pathogenic variant. Algorithms developed to predict the effect of missense changes on protein structure and function output the following: SIFT: "Tolerated"; PolyPhen-2: "Benign"; Align-GVGD: "Class C0". The tyrosine amino acid residue is found in multiple mammalian species, which suggests that this missense change does not adversely affect protein function. In summary, the available evidence is currently insufficient to determine the role of this variant in disease. Therefore, it has been classified as a Variant of Uncertain Significance.

Natera, Inc.
Classification: Uncertain significance for Autosomal recessive polycystic kidney disease. Last evaluated: 2020-10-22. Review status: no assertion criteria provided. Collection method: clinical testing. Allele origin: germline. Not counted in ClinVar's aggregate classification.